The following is an entry in ClinVar:

ClinVar aggregate classification (germline): Uncertain significance. Review status: criteria provided, multiple submitters, no conflicts (2 of 4 stars). 8 submissions from 8 submitters: Uncertain significance (8). Last evaluated 2026-01-14.

Conditions:
Breast-ovarian cancer, familial, susceptibility to, 1 (BROVCA1). Also called: BRCA1 Hereditary Breast and Ovarian Cancer; OVARIAN CANCER, SUSCEPTIBILITY TO. Identifiers: Orphanet 145, MedGen C2676676, MONDO:0011450, OMIM 604370. Disease mechanism: loss of function.
Familial cancer of breast. Also called: Hereditary breast cancer; BREAST CANCER, FAMILIAL; hereditary breast carcinoma. Identifiers: Orphanet 227535, MedGen C0346153, MONDO:0016419, OMIM 114480. Disease mechanism: loss of function.
Pancreatic cancer, susceptibility to, 4. Identifiers: Orphanet 1333, MedGen C3280442, MONDO:0013685, OMIM 614320.
Fanconi anemia, complementation group S (FANCS). Identifiers: MedGen C4554406, MONDO:0054748, OMIM 617883.
Hereditary cancer-predisposing syndrome. Also called: Neoplastic Syndromes, Hereditary; Hereditary neoplastic syndrome; Hereditary Cancer Syndrome; Tumor predisposition. Identifiers: Orphanet 140162, MedGen C0027672, MeSH D009386, MONDO:0015356.
Hereditary breast ovarian cancer syndrome. Also called: Hereditary breast and ovarian cancer syndrome; Breast and ovarian cancer; Hereditary breast and ovarian cancer syndrome (HBOC); Hereditary breast and/or ovarian cancer syndrome; BRCA1- and BRCA2-Associated Hereditary Breast and Ovarian Cancer; Hereditary breast and ovarian cancer. Identifiers: Orphanet 145, MedGen C0677776, MeSH D061325, MONDO:0003582. Disease mechanism: loss of function.

Allele frequency attached by ClinVar (database versions not stated): gnomAD exomes below 0.00001 and 0.00001.
gnomAD v4.1: 4 of 1,610,728 alleles (0.00025%); highest among the groups gnomAD compares: South Asian, 0.0022%; no homozygotes.

Submissions (8):

Labcorp Genetics (formerly Invitae), Labcorp
Classification: Uncertain significance for Hereditary breast ovarian cancer syndrome. Last evaluated: 2026-01-14. Review status: criteria provided, single submitter. Criteria: Invitae Variant Classification Sherloc (09022015). Collection method: clinical testing. Allele origin: germline.
Comment: This sequence change replaces threonine, which is neutral and polar, with methionine, which is neutral and non-polar, at codon 176 of the BRCA1 protein (p.Thr176Met). This variant is present in population databases (no rsID available, gnomAD 0.006%). This missense change has been observed in individual(s) with breast and/or ovarian cancer (PMID: 27163896). This variant is also known as 646C>T. ClinVar contains an entry for this variant (Variation ID: 409326). Invitae Evidence Modeling of protein sequence and biophysical properties (such as structural, functional, and spatial information, amino acid conservation, physicochemical variation, residue mobility, and thermodynamic stability) indicates that this missense variant is not expected to disrupt BRCA1 protein function with a negative predictive value of 80%. In summary, the available evidence is currently insufficient to determine the role of this variant in disease. Therefore, it has been classified as a Variant of Uncertain Significance.

Ambry Genetics
Classification: Uncertain significance for Hereditary cancer-predisposing syndrome. Last evaluated: 2025-02-12. Review status: criteria provided, single submitter. Criteria: Ambry Variant Classification Scheme 2023. Collection method: clinical testing. Allele origin: germline.
Comment: The p.T176M variant (also known as c.527C>T), located in coding exon 6 of the BRCA1 gene, results from a C to T substitution at nucleotide position 527. The threonine at codon 176 is replaced by methionine, an amino acid with similar properties. This alteration (designated as 646C>T) was detected in an individual with contralateral breast cancer (Pellegrino B et al. Acta Biomed, 2016 05;87:54-63). This amino acid position is poorly conserved in available vertebrate species. In addition, this alteration is predicted to be deleterious by in silico analysis. Since supporting evidence is limited at this time, the clinical significance of this alteration remains unclear.

GeneDx
Classification: Uncertain significance. Last evaluated: 2023-05-31. Review status: criteria provided, single submitter. Criteria: GeneDx Variant Classification Process June 2021. Collection method: clinical testing. Allele origin: germline. Affected: yes.
Comment: Observed in an individual with bilateral breast cancer (Pellegrino et al., 2016); In silico analysis, which includes protein predictors and evolutionary conservation, supports that this variant does not alter protein structure/function; Not observed at a significant frequency in large population cohorts (gnomAD); Also known as 646C>T; This variant is associated with the following publications: (PMID: 9788437, 20215511, 27163896)

All of Us Research Program, National Institutes of Health
Classification: Uncertain significance for Breast-ovarian cancer, familial, susceptibility to, 1. Last evaluated: 2023-02-22. Review status: criteria provided, single submitter. Criteria: ACMG Guidelines, 2015. Collection method: clinical testing. Allele origin: germline. Inheritance: Autosomal dominant inheritance. Observed: 1 variant allele, 1 heterozygote.
Comment: This missense variant replaces threonine with methionine at codon 176 of the BRCA1 protein. Computational prediction is inconclusive regarding the impact of this variant on protein structure and function (internally defined REVEL score threshold 0.5 < inconclusive < 0.7, PMID: 27666373). To our knowledge, functional studies have not been reported for this variant. This variant has been detected in an individual affected with contralateral breast cancer (PMID: 27163896). This variant has been identified in 2/251452 chromosomes in the general population by the Genome Aggregation Database (gnomAD). The available evidence is insufficient to determine the role of this variant in disease conclusively. Therefore, this variant is classified as a Variant of Uncertain Significance.

This study involves interpretation of variants in research participants for the purpose of population health screening. Participant phenotype was not available at the time of variant classification. Additional details can be found in publication PMID: 35346344, PMCID: PMC8962531

Quest Diagnostics Nichols Institute San Juan Capistrano
Classification: Uncertain significance. Last evaluated: 2022-10-07. Review status: criteria provided, single submitter. Criteria: Quest Diagnostics criteria. Collection method: clinical testing. Allele origin: unknown.
Comment: The frequency of this variant in the general population, 0.000008 (2/251452 chromosomes), is uninformative in assessment of its pathogenicity. In the published literature, the variant has been reported in an individual with contralateral breast cancer (PMID: 27163896 (2016). Analysis of this variant using bioinformatics tools for the prediction of the effect of amino acid changes on protein structure and function yielded predictions that this variant is benign. Based on the available information, we are unable to determine the clinical significance of this variant.

Color Diagnostics, LLC DBA Color Health
Classification: Uncertain significance for Hereditary cancer-predisposing syndrome. Last evaluated: 2022-04-18. Review status: criteria provided, single submitter. Criteria: ACMG Guidelines, 2015. Collection method: clinical testing. Allele origin: germline.
Comment: This missense variant replaces threonine with methionine at codon 176 of the BRCA1 protein. Computational prediction is inconclusive regarding the impact of this variant on protein structure and function (internally defined REVEL score threshold 0.5 < inconclusive < 0.7, PMID: 27666373). To our knowledge, functional studies have not been reported for this variant. This variant has been detected in an individual affected with contralateral breast cancer (PMID: 27163896). This variant has been identified in 2/251452 chromosomes in the general population by the Genome Aggregation Database (gnomAD). The available evidence is insufficient to determine the role of this variant in disease conclusively. Therefore, this variant is classified as a Variant of Uncertain Significance.

Sema4
Classification: Uncertain significance for Hereditary cancer-predisposing syndrome. Last evaluated: 2021-05-21. Review status: criteria provided, single submitter. Criteria: Sema4 Curation Guidelines. Collection method: curation. Allele origin: germline.
Comment: The BRCA1 c.527C>T (p.T176M) variant has been reported in at least one individual with contralateral breast cancer (PMID: 27163896). It was observed in 2/30616 chromosomes of the South Asian subpopulation in the large and broad cohorts of the Genome Aggregation Database (PMID: 32461654). The variant has been reported in ClinVar (Variation ID 409326). In silico tools suggest the impact of the variant on protein function is inconclusive though these predictions have not been confirmed by functional studies. The evidence is insufficient to meet ACMG/AMP criteria for classifying the variant as benign or pathogenic. Thus, the clinical significance of this variant is currently uncertain.

Fulgent Genetics
Classification: Uncertain significance for Familial cancer of breast; Breast-ovarian cancer, familial, susceptibility to, 1; Pancreatic cancer, susceptibility to, 4; Fanconi anemia, complementation group S. Last evaluated: 2018-10-31. Review status: criteria provided, single submitter. Criteria: ACMG Guidelines, 2015. Collection method: clinical testing. Allele origin: unknown.

Literature cited by the submitters: PubMed 27163896 (cited by 6 submitters); PubMed 31911673 (cited by Quest Diagnostics Nichols Institute San Juan Capistrano).

NM_007294.4(BRCA1):c.527C>T (p.Thr176Met)

Gene: BRCA1 (BRCA1 DNA repair associated; minus strand). Cytogenetic location: 17q21.31.
Variant type: single nucleotide variant.
Coding change: c.527C>T on transcript NM_007294.4 (MANE Select); coding-DNA position 527, C replaced by T.
Protein change: p.Thr176Met; replaces threonine 176 with methionine.
Molecular consequence: missense variant. On other transcripts: non-coding transcript variant (1).
Genome position (GRCh38, 1-based): chr17:43,099,795, G>A on the plus strand (C>T on the coding strand, the complement: BRCA1 is on the minus strand). VCF-style: chr17-43099795-G-A. GRCh37 (hg19) VCF-style: chr17-41251812-G-A.
Other names: c.386C>T, p.Thr129Met (NM_001408498.1, NM_001408499.1, NM_001408500.1 and 61 more transcripts); c.317C>T, p.Thr106Met (NM_001408502.1, NM_001408506.1, NM_001408507.1 and 37 more transcripts); c.383C>T, p.Thr128Met (NM_001408503.1, NM_001408504.1, NM_001408505.1 and 35 more transcripts); c.314C>T, p.Thr105Met (NM_001408508.1, NM_001408509.1, NM_001407571.1 and 18 more transcripts); c.146C>T, p.Thr49Met (NM_001408510.1, NM_001408512.1, NM_001407959.1 and 3 more transcripts); c.527C>T, p.Thr176Met (NM_007298.4, NM_007299.4, NM_007300.4 and 97 more transcripts); c.524C>T, p.Thr175Met (NM_001407587.1, NM_001407590.1, NM_001407591.1 and 65 more transcripts); c.518C>T, p.Thr173Met (NM_001407646.1, NM_001407647.1, NM_001408408.1); and 4 more; short protein forms T176M, T129M, T105M, T128M, T131M, T149M, T173M, T48M.
Identifiers: ClinVar variation 409326 (VCV000409326.32), dbSNP rs587782747, ClinGen allele CA10601084.